The following is an entry in ClinVar:

ClinVar aggregate classification (germline): Uncertain significance (1 of 4 stars; one submission).

Submission:

Women's Health and Genetics/Laboratory Corporation of America, LabCorp
Classification: Uncertain significance. Last evaluated: 2025-12-05. Review status: criteria provided, single submitter. Criteria: LabCorp Variant Classification Summary - May 2015. Collection method: clinical testing. Allele origin: germline.
Comment: Variant summary: RS1 c.586T>G (p.Ser196Ala) results in a conservative amino acid change in the encoded protein sequence. Algorithms developed to predict the effect of missense changes on protein structure and function are either unavailable or do not agree on the potential impact of this missense change. The variant was absent in 183032 control chromosomes. The available data on variant occurrences in the general population are insufficient to allow any conclusion about variant significance. To our knowledge, no occurrence of c.586T>G in individuals affected with RS1-related conditions and no experimental evidence demonstrating its impact on protein function have been reported. No submitters have cited clinical-significance assessments for this variant to ClinVar. Based on the evidence outlined above, the variant was classified as uncertain significance.

NM_000330.4(RS1):c.586T>G (p.Ser196Ala)

Genes: CDKL5 (cyclin dependent kinase like 5; plus strand), RS1 (retinoschisin 1; minus strand). Cytogenetic location: Xp22.13.
Variant type: single nucleotide variant.
Coding change: c.586T>G on transcript NM_000330.4 (MANE Select); coding-DNA position 586, T replaced by G.
Protein change: p.Ser196Ala; replaces serine 196 with alanine.
Molecular consequence: missense variant. On other transcripts: intron variant (2).
Genome position (GRCh38, 1-based): chrX:18,642,093, A>C on the plus strand (T>G on the coding strand, the complement: RS1 is on the minus strand). VCF-style: chrX-18642093-A-C. GRCh37 (hg19) VCF-style: chrX-18660213-A-C.
Other names: c.2714-3914A>C (NM_003159.3, NM_001037343.2); short protein forms S196A.
Identifiers: ClinVar variation 4688518 (VCV004688518.1).
Genomic context (GRCh38, chrX:18,642,093, plus strand): 5'-GCTCCATCCGGATGGCAATGCGGACGTGCCAGCCCAGCGGGATGAGGCGGATGAAGCGGG[A>C]GATGATGGGGGGCCGCAGCAGGTTCTGAACCGTGGAGGTGCGGTCCGAGTTGCCATAGAA-3'
Protein context (NP_000321.1, residues 186-206): VQNLLRPPII[Ser196Ala]RFIRLIPLGW